The following is an entry in ClinVar:

NM_001009944.3(PKD1):c.1553A>T (p.Asn518Ile)

Gene: PKD1 (polycystin 1, transient receptor potential channel interacting; minus strand). Cytogenetic location: 16p13.3.
Variant type: single nucleotide variant.
Coding change: c.1553A>T on transcript NM_001009944.3 (MANE Select); coding-DNA position 1553, A replaced by T.
Protein change: p.Asn518Ile; replaces asparagine 518 with isoleucine.
Molecular consequence: missense variant.
Genome position (GRCh38, 1-based): chr16:2,116,886, T>A on the plus strand (A>T on the coding strand, the complement: PKD1 is on the minus strand). VCF-style: chr16-2116886-T-A. GRCh37 (hg19) VCF-style: chr16-2166887-T-A.
Other names: c.1553A>T, p.Asn518Ile (NM_000296.4); short protein forms N518I.
Identifiers: ClinVar variation 3384445 (VCV003384445.1).

ClinVar aggregate classification (germline): Uncertain significance (1 of 4 stars; one submission).

gnomAD v4.1: 1 of 1,531,478 alleles (0.000065%); highest among the groups gnomAD compares: Non-Finnish European, 0.000088%; no homozygotes.

Submission:

GeneDx
Classification: Uncertain significance. Last evaluated: 2024-06-02. Review status: criteria provided, single submitter. Criteria: GeneDx Variant Classification Process June 2021. Collection method: clinical testing. Allele origin: germline. Affected: yes.
Comment: Not observed at significant frequency in large population cohorts (gnomAD); In silico analysis supports that this missense variant has a deleterious effect on protein structure/function; Has not been previously published as pathogenic or benign to our knowledge